The following is an entry in ClinVar:

NM_001025616.3(ARHGAP24):c.1761C>T (p.Asn587=)

Gene: ARHGAP24 (Rho GTPase activating protein 24; plus strand). Cytogenetic location: 4q21.23.
Variant type: single nucleotide variant.
Coding change: c.1761C>T on transcript NM_001025616.3 (MANE Select); coding-DNA position 1761, C replaced by T.
Protein change: p.Asn587=; no amino-acid change (asparagine 587 retained).
Molecular consequence: synonymous variant.
Genome position (GRCh38, 1-based): chr4:85,995,415, C>T. VCF-style: chr4-85995415-C-T. GRCh37 (hg19) VCF-style: chr4-86916568-C-T.
Other names: c.1476C>T, p.Asn492= (NM_001042669.2); c.1506C>T, p.Asn502= (NM_001287805.2); c.1182C>T, p.Asn394= (NM_001346093.2); c.1482C>T, p.Asn494= (NM_031305.3).
Identifiers: ClinVar variation 3035951 (VCV003035951.4), dbSNP rs778358815, ClinGen allele CA2994792.
Genomic context (GRCh38, chr4:85,995,415, plus strand): 5'-CTCCAACTCCTGTCGCTCTTCTACCACCACCTGCCCAGAGCAAGACTTTTTTGGGGGGAA[C>T]TTTGAGGACCCTGTTTTGGATGGGCCCCCGCAGGACGACCTTTCCCACCCCAGGGACTAT-3'
Protein context (NP_001020787.2, residues 577-597): TCPEQDFFGG[Asn587=]FEDPVLDGPP

ClinVar aggregate classification (germline): Likely benign. Review status: criteria provided, single submitter (1 of 4 stars). 2 submissions from 2 submitters: Likely benign (1). 1 of the submissions does not count toward it. Last evaluated 2024-01-31.

Conditions:
ARHGAP24-related disorder. Also called: ARHGAP24-related condition.

Allele frequency attached by ClinVar (database versions not stated): ExAC 0.00002; gnomAD 0.00004.
gnomAD v4.1: 35 of 1,612,382 alleles (0.0022%); highest among the groups gnomAD compares: Non-Finnish European, 0.0027%; no homozygotes.

Submissions (2):

Labcorp Genetics (formerly Invitae), Labcorp
Classification: Likely benign. Last evaluated: 2024-01-31. Review status: criteria provided, single submitter. Criteria: Invitae Variant Classification Sherloc (09022015). Collection method: clinical testing. Allele origin: germline.

PreventionGenetics, part of Exact Sciences
Classification: Likely benign for ARHGAP24-related condition. Last evaluated: 2022-01-03. Review status: no assertion criteria provided. Collection method: clinical testing. Allele origin: germline. Not counted in ClinVar's aggregate classification.
Comment: This variant is classified as likely benign based on ACMG/AMP sequence variant interpretation guidelines (Richards et al. 2015 PMID: 25741868, with internal and published modifications).